The following is an entry in ClinVar:

ClinVar aggregate classification (germline): Uncertain significance (1 of 4 stars; one submission).

gnomAD v4.1: 24 of 1,563,358 alleles (0.0015%); highest among the groups gnomAD compares: African/African-American, 0.0054%; no homozygotes.

Submission:

GeneDx
Classification: Uncertain significance. Last evaluated: 2025-06-17. Review status: criteria provided, single submitter. Criteria: GeneDx Variant Classification Process June 2021. Collection method: clinical testing. Allele origin: germline. Affected: yes.
Comment: In silico analysis suggests that this missense variant does not alter protein structure/function; Has not been previously published as pathogenic or benign to our knowledge

NM_005560.6(LAMA5):c.6010G>A (p.Glu2004Lys)

Gene: LAMA5 (laminin subunit alpha 5; minus strand). Cytogenetic location: 20q13.33.
Variant type: single nucleotide variant.
Coding change: c.6010G>A on transcript NM_005560.6 (MANE Select); coding-DNA position 6010, G replaced by A.
Protein change: p.Glu2004Lys; replaces glutamic acid 2004 with lysine.
Molecular consequence: missense variant.
Genome position (GRCh38, 1-based): chr20:62,323,510, C>T on the plus strand (G>A on the coding strand, the complement: LAMA5 is on the minus strand). VCF-style: chr20-62323510-C-T. GRCh37 (hg19) VCF-style: chr20-60898566-C-T.
Other names: short protein forms E2004K.
Identifiers: ClinVar variation 4538772 (VCV004538772.1).